The following is an entry in ClinVar:

NM_000075.4(CDK4):c.84T>C (p.Ser28=)

Gene: CDK4 (cyclin dependent kinase 4; minus strand). Cytogenetic location: 12q14.1.
Variant type: single nucleotide variant.
Coding change: c.84T>C on transcript NM_000075.4 (MANE Select); coding-DNA position 84, T replaced by C.
Protein change: p.Ser28=; no amino-acid change (serine 28 retained).
Molecular consequence: synonymous variant.
Genome position (GRCh38, 1-based): chr12:57,751,634, A>G on the plus strand (T>C on the coding strand, the complement: CDK4 is on the minus strand). VCF-style: chr12-57751634-A-G. GRCh37 (hg19) VCF-style: chr12-58145417-A-G.
Other names: c.84T>C (LRG_490t1).
Identifiers: ClinVar variation 186686 (VCV000186686.23), dbSNP rs763203404, ClinGen allele CA195565.
Genomic context (GRCh38, chr12:57,751,634, plus strand): 5'-GCCTCCTCCACCTCCTCCTCCATTGGGGACTCTCACACTCTTGAGGGCCACAAAGTGGCC[A>G]CTGTGGGGATCACGGGCCTTGTACACTGTCCCATAGGCACCGACACCAATTTCAGCCACT-3'
Protein context (NP_000066.1, residues 18-38): GTVYKARDPH[Ser28=]GHFVALKSVR

ClinVar aggregate classification (germline): Benign/Likely benign. Review status: criteria provided, multiple submitters, no conflicts (2 of 4 stars). 8 submissions from 8 submitters: Benign (1); Likely benign (7). Last evaluated 2026-01-08.

Conditions:
Familial melanoma. Also called: Hereditary melanoma; Hereditary cutaneous melanoma. Identifiers: Orphanet 618, MedGen C1512419, MONDO:0018961.
Hereditary cancer-predisposing syndrome. Also called: Tumor predisposition; Neoplastic Syndromes, Hereditary; Hereditary neoplastic syndrome; Hereditary Cancer Syndrome. Identifiers: Orphanet 140162, MedGen C0027672, MeSH D009386, MONDO:0015356.
Melanoma, cutaneous malignant, susceptibility to, 3. Also called: Cutaneous malignant melanoma 3. Identifiers: Orphanet 618, MedGen C1836892, MONDO:0012183, OMIM 609048.

Allele frequency attached by ClinVar (database versions not stated): ExAC 0.00002; gnomAD exomes 0.00002 and 0.00003; gnomAD 0.00003; TOPMed 0.00005.
gnomAD v4.1: 45 of 1,614,048 alleles (0.0028%); highest among the groups gnomAD compares: Middle Eastern, 0.033%; no homozygotes.

Submissions (8):

Labcorp Genetics (formerly Invitae), Labcorp
Classification: Likely benign for Familial melanoma. Last evaluated: 2026-01-08. Review status: criteria provided, single submitter. Criteria: Invitae Variant Classification Sherloc (09022015). Collection method: clinical testing. Allele origin: germline.

Myriad Genetics, Inc.
Classification: Benign for Melanoma, cutaneous malignant, susceptibility to, 3. Last evaluated: 2024-09-24. Review status: criteria provided, single submitter. Criteria: Myriad Autosomal Dominant, Autosomal Recessive and X-Linked Classification Criteria (2023). Collection method: clinical testing. Allele origin: unknown.
Comment: This variant is considered benign. This variant is a silent/synonymous amino acid change and it is not expected to impact splicing.

Blueprint Genetics
Classification: Likely benign. Last evaluated: 2024-06-07. Review status: criteria provided, single submitter. Criteria: ACMG Guidelines, 2015. Collection method: clinical testing. Allele origin: germline.

Women's Health and Genetics/Laboratory Corporation of America, LabCorp
Classification: Likely benign. Last evaluated: 2020-07-30. Review status: criteria provided, single submitter. Criteria: LabCorp Variant Classification Summary - May 2015. Collection method: clinical testing. Allele origin: germline.

Genetic Services Laboratory, University of Chicago
Classification: Likely benign. Last evaluated: 2018-07-17. Review status: criteria provided, single submitter. Criteria: ACMG Guidelines, 2015. Collection method: clinical testing. Allele origin: germline. Affected: no.

PreventionGenetics, part of Exact Sciences
Classification: Likely benign. Last evaluated: 2017-08-16. Review status: criteria provided, single submitter. Criteria: ACMG Guidelines, 2015. Collection method: clinical testing. Allele origin: germline.

GeneDx
Classification: Likely benign. Last evaluated: 2016-12-13. Review status: criteria provided, single submitter. Criteria: GeneDx Variant Classification (06012015). Collection method: clinical testing. Allele origin: germline. Affected: yes.
Comment: This variant is considered likely benign or benign based on one or more of the following criteria: it is a conservative change, it occurs at a poorly conserved position in the protein, it is predicted to be benign by multiple in silico algorithms, and/or has population frequency not consistent with disease.

Ambry Genetics
Classification: Likely benign for Hereditary cancer-predisposing syndrome. Last evaluated: 2014-11-13. Review status: criteria provided, single submitter. Criteria: Ambry Variant Classification Scheme 2023. Collection method: clinical testing. Allele origin: germline.